The following is an entry in ClinVar:

ClinVar aggregate classification (germline): Uncertain significance. Review status: criteria provided, multiple submitters, no conflicts (2 of 4 stars). 3 submissions from 3 submitters: Uncertain significance (3). Last evaluated 2025-03-18.

Conditions:
PCNT-related disorder. Also called: PCNT-related condition.
Inborn genetic diseases. Identifiers: MedGen C0950123, MeSH D030342.

gnomAD v4.1: 5 of 1,612,212 alleles (0.00031%); highest among the groups gnomAD compares: Middle Eastern, 0.017%; no homozygotes.

Submissions (3):

PreventionGenetics, part of Exact Sciences
Classification: Uncertain significance for PCNT-related condition. Last evaluated: 2025-03-18. Review status: criteria provided, single submitter. Criteria: ACMG Guidelines, 2015. Collection method: clinical testing. Allele origin: germline.
Comment: The PCNT c.5479G>T variant is predicted to result in the amino acid substitution p.Ala1827Ser. To our knowledge, this variant has not been reported in the literature. This variant is reported in 0.0047% of alleles in individuals of European (Finnish) descent in gnomAD. At this time, the clinical significance of this variant is uncertain due to the absence of conclusive functional and genetic evidence.

Labcorp Genetics (formerly Invitae), Labcorp
Classification: Uncertain significance. Last evaluated: 2022-04-04. Review status: criteria provided, single submitter. Criteria: Invitae Variant Classification Sherloc (09022015). Collection method: clinical testing. Allele origin: germline.
Comment: This sequence change replaces alanine, which is neutral and non-polar, with serine, which is neutral and polar, at codon 1827 of the PCNT protein (p.Ala1827Ser). The frequency data for this variant in the population databases is considered unreliable, as metrics indicate poor data quality at this position in the gnomAD database. This variant has not been reported in the literature in individuals affected with PCNT-related conditions. Algorithms developed to predict the effect of missense changes on protein structure and function (SIFT, PolyPhen-2, Align-GVGD) all suggest that this variant is likely to be tolerated. In summary, the available evidence is currently insufficient to determine the role of this variant in disease. Therefore, it has been classified as a Variant of Uncertain Significance.

Ambry Genetics
Classification: Uncertain significance for Inborn genetic diseases. Last evaluated: 2021-12-03. Review status: criteria provided, single submitter. Criteria: Ambry Variant Classification Scheme 2023. Collection method: clinical testing. Allele origin: germline.

NM_006031.6(PCNT):c.5479G>T (p.Ala1827Ser)

Gene: PCNT (pericentrin; plus strand). Cytogenetic location: 21q22.3.
Variant type: single nucleotide variant.
Coding change: c.5479G>T on transcript NM_006031.6 (MANE Select); coding-DNA position 5479, G replaced by T.
Protein change: p.Ala1827Ser; replaces alanine 1827 with serine.
Molecular consequence: missense variant.
Genome position (GRCh38, 1-based): chr21:46,411,552, G>T. VCF-style: chr21-46411552-G-T. GRCh37 (hg19) VCF-style: chr21-47831466-G-T.
Other names: c.5125G>T, p.Ala1709Ser (NM_001315529.2); short protein forms A1827S, A1709S.
Identifiers: ClinVar variation 1904018 (VCV001904018.7), dbSNP rs563470468, ClinGen allele CA10079996.
Genomic context (GRCh38, chr21:46,411,552, plus strand): 5'-GCTGACCAGGAGCGCAGGCACAGCCAGGCCCTGGAGGCCCTGCAGCAGCGCCTCCAGGGC[G>T]CAGAGGAGGCTGCGGAGCTACAGCTGGCTGAGCTGGAGCGCAATGTAGCCCTCAGGGAGG-3'
Protein context (NP_006022.3, residues 1817-1837): LEALQQRLQG[Ala1827Ser]EEAAELQLAE